The following is an entry in ClinVar:

NM_181523.3(PIK3R1):c.568C>A (p.Leu190Ile)

Gene: PIK3R1 (phosphoinositide-3-kinase regulatory subunit 1; plus strand). Cytogenetic location: 5q13.1.
Variant type: single nucleotide variant.
Coding change: c.568C>A on transcript NM_181523.3 (MANE Select); coding-DNA position 568, C replaced by A.
Protein change: p.Leu190Ile; replaces leucine 190 with isoleucine.
Molecular consequence: missense variant.
Genome position (GRCh38, 1-based): chr5:68,279,667, C>A. VCF-style: chr5-68279667-C-A. GRCh37 (hg19) VCF-style: chr5-67575495-C-A.
Other names: short protein forms L190I.
Identifiers: ClinVar variation 2150899 (VCV002150899.4), dbSNP rs752074681, ClinGen allele CA359873914.

ClinVar aggregate classification (germline): Uncertain significance (1 of 4 stars; one submission).

Conditions:
Agammaglobulinemia 7, autosomal recessive (AGM7). Also called: AGAMMAGLOBULINEMIA, AUTOSOMAL RECESSIVE, DUE TO PIK3R1 DEFECT. Identifiers: MedGen C3554689, MONDO:0014083, OMIM 615214.
SHORT syndrome. Also called: PIK3R1-Related SHORT Syndrome; LIPODYSTROPHY, PARTIAL, WITH RIEGER ANOMALY AND SHORT STATURE; SHORT STATURE, HYPEREXTENSIBILITY, HERNIA, OCULAR DEPRESSION, RIEGER ANOMALY, AND TEETHING DELAY. Identifiers: Orphanet 3163, MedGen C0878684, MONDO:0010026, OMIM 269880.
Immunodeficiency 36 with lymphoproliferation. Also called: Activated PI3K Delta Syndrome Type 2 (APDS2); Immunodeficiency 36; ACTIVATED PI3K-DELTA SYNDROME 2. Identifiers: Orphanet 397596, Orphanet 693681, MedGen C4014934, MONDO:0014453, OMIM 616005.

Submission:

Labcorp Genetics (formerly Invitae), Labcorp
Classification: Uncertain significance for SHORT syndrome; Immunodeficiency 36 with lymphoproliferation; Agammaglobulinemia 7, autosomal recessive. Last evaluated: 2022-11-15. Review status: criteria provided, single submitter. Criteria: Invitae Variant Classification Sherloc (09022015). Collection method: clinical testing. Allele origin: germline.
Comment: In summary, the available evidence is currently insufficient to determine the role of this variant in disease. Therefore, it has been classified as a Variant of Uncertain Significance. Algorithms developed to predict the effect of missense changes on protein structure and function are either unavailable or do not agree on the potential impact of this missense change (SIFT: "Deleterious"; PolyPhen-2: "Benign"; Align-GVGD: "Class C0"). This variant has not been reported in the literature in individuals affected with PIK3R1-related conditions. This variant is not present in population databases (gnomAD no frequency). This sequence change replaces leucine, which is neutral and non-polar, with isoleucine, which is neutral and non-polar, at codon 190 of the PIK3R1 protein (p.Leu190Ile).